The following is an entry in ClinVar:

ClinVar aggregate classification (germline): Uncertain significance. Review status: criteria provided, multiple submitters, no conflicts (2 of 4 stars). 3 submissions from 3 submitters: Uncertain significance (3). Last evaluated 2026-01-05.

Conditions:
Hereditary cancer-predisposing syndrome. Also called: Hereditary neoplastic syndrome; Tumor predisposition; Neoplastic Syndromes, Hereditary; Hereditary Cancer Syndrome. Identifiers: Orphanet 140162, MedGen C0027672, MeSH D009386, MONDO:0015356.

gnomAD v4.1: 2 of 1,611,068 alleles (0.00012%); highest among the groups gnomAD compares: Non-Finnish European, 0.00017%; no homozygotes.

Submissions (3):

Labcorp Genetics (formerly Invitae), Labcorp
Classification: Uncertain significance. Last evaluated: 2026-01-05. Review status: criteria provided, single submitter. Criteria: Invitae Variant Classification Sherloc (09022015). Collection method: clinical testing. Allele origin: germline.
Comment: This sequence change replaces leucine, which is neutral and non-polar, with valine, which is neutral and non-polar, at codon 690 of the POLE protein (p.Leu690Val). This variant is not present in population databases (gnomAD no frequency). This variant has not been reported in the literature in individuals affected with POLE-related conditions. ClinVar contains an entry for this variant (Variation ID: 571847). Invitae Evidence Modeling of protein sequence and biophysical properties (such as structural, functional, and spatial information, amino acid conservation, physicochemical variation, residue mobility, and thermodynamic stability) indicates that this missense variant is not expected to disrupt POLE protein function with a negative predictive value of 80%. In summary, the available evidence is currently insufficient to determine the role of this variant in disease. Therefore, it has been classified as a Variant of Uncertain Significance.

Ambry Genetics
Classification: Uncertain significance for Hereditary cancer-predisposing syndrome. Last evaluated: 2025-04-19. Review status: criteria provided, single submitter. Criteria: Ambry Variant Classification Scheme 2023. Collection method: clinical testing. Allele origin: germline.
Comment: The p.L690V variant (also known as c.2068C>G), located in coding exon 19 of the POLE gene, results from a C to G substitution at nucleotide position 2068. The leucine at codon 690 is replaced by valine, an amino acid with highly similar properties. This amino acid position is conserved. In addition, this alteration is predicted to be tolerated by in silico analysis. Based on the available evidence, the clinical significance of this variant remains unclear.

Mayo Clinic Laboratories, Mayo Clinic
Classification: Uncertain significance. Last evaluated: 2022-12-07. Review status: criteria provided, single submitter. Criteria: ACMG Guidelines, 2015. Collection method: clinical testing. Allele origin: germline. Observed: 1 variant allele.
Comment: BP4, PM2

NM_006231.4(POLE):c.2068C>G (p.Leu690Val)

Gene: POLE (DNA polymerase epsilon, catalytic subunit; minus strand). Cytogenetic location: 12q24.33.
Variant type: single nucleotide variant.
Coding change: c.2068C>G on transcript NM_006231.4 (MANE Select); coding-DNA position 2068, C replaced by G.
Protein change: p.Leu690Val; replaces leucine 690 with valine.
Molecular consequence: missense variant.
Genome position (GRCh38, 1-based): chr12:132,668,461, G>C on the plus strand (C>G on the coding strand, the complement: POLE is on the minus strand). VCF-style: chr12-132668461-G-C. GRCh37 (hg19) VCF-style: chr12-133245047-G-C.
Other names: p.Leu690Val; c.2068C>G (NM_006231.2); short protein forms L690V.
Identifiers: ClinVar variation 571847 (VCV000571847.12), dbSNP rs1565965882, ClinGen allele CA387354252.
Genomic context (GRCh38, chr12:132,668,461, plus strand): 5'-GTTCATGAAAGGCCCGAGCTGGCCCCTCTGGGAACAAGGGGGGGAACTTCTCTGACTCCA[G>C]CTGGTGCTGGATCCGATGGTATTCGCTGCGACTGGCTGGCACTGGGAAGGAGGCAATGGG-3'
Protein context (NP_006222.2, residues 680-700): RSEYHRIQHQ[Leu690Val]ESEKFPPLFP